The following is an entry in ClinVar:

ClinVar aggregate classification (germline): Benign (0 of 4 stars; one submission).

Conditions:
ABCG1-related disorder. Also called: ABCG1-related condition.

Submission:

PreventionGenetics, part of Exact Sciences
Classification: Benign for ABCG1-related condition. Last evaluated: 2019-05-24. Review status: no assertion criteria provided. Collection method: clinical testing. Allele origin: germline.
Comment: This variant is classified as benign based on ACMG/AMP sequence variant interpretation guidelines (Richards et al. 2015 PMID: 25741868, with internal and published modifications).

NM_016818.3(ABCG1):c.-38GCC[8]

Gene: ABCG1 (ATP binding cassette subfamily G member 1; plus strand). Cytogenetic location: 21q22.3.
Variant type: Microsatellite.
Coding change: c.-38GCC[8] on transcript NM_016818.3 (MANE Select); eight copies in a row of the 3-base unit GCC starting at c.-38; the reference has ten copies in a row; two copies, 6 bases deleted.
Molecular consequence: 5 prime UTR variant. On other transcripts: intron variant (3).
Genome position (GRCh38, 1-based): chr21:42,219,249-42,219,254, GCCGCC deleted; deleting any 6 consecutive bases within chr21:42,219,223-42,219,254 gives the same sequence; the position shown is the placement nearest the transcript's 3' end. VCF-style (leftmost placement, unchanged base first): chr21-42219222-CCCGCCG-C. GRCh37 (hg19) VCF-style: chr21-43639332-CCCGCCG-C.
Other names: c.-38GCC[8] (NM_004915.4); c.49-6448CCG[8] (NM_207627.2); c.-24-6448CCG[8] (NM_207628.1); c.33+3035CCG[8] (NM_207629.2).
Identifiers: ClinVar variation 3059244 (VCV003059244.2), dbSNP rs2234716, ClinGen allele CA10040788.